The following is an entry in ClinVar:

NM_032119.4(ADGRV1):c.6852C>A (p.Asp2284Glu)

Gene: ADGRV1 (adhesion G protein-coupled receptor V1; plus strand). Cytogenetic location: 5q14.3.
Variant type: single nucleotide variant.
Coding change: c.6852C>A on transcript NM_032119.4 (MANE Select); coding-DNA position 6852, C replaced by A.
Protein change: p.Asp2284Glu; replaces aspartic acid 2284 with glutamic acid.
Molecular consequence: missense variant. On other transcripts: non-coding transcript variant (1).
Genome position (GRCh38, 1-based): chr5:90,690,942, C>A. VCF-style: chr5-90690942-C-A. GRCh37 (hg19) VCF-style: chr5-89986759-C-A.
Other names: c.6852C>A (NM_032119.3); short protein forms D2284E.
Identifiers: ClinVar variation 1972275 (VCV001972275.8), dbSNP rs1428365702, ClinGen allele CA360368347.

ClinVar aggregate classification (germline): Conflicting classifications of pathogenicity. Review status: criteria provided, conflicting classifications (1 of 4 stars). 3 submissions from 3 submitters: Uncertain significance (2); Likely benign (1). Last evaluated 2026-09-11.

Conditions:
Inborn genetic diseases. Identifiers: MedGen C0950123, MeSH D030342.

Allele frequency attached by ClinVar (database versions not stated): gnomAD exomes below 0.00001.
gnomAD v4.1: 3 of 1,613,840 alleles (0.00019%); highest among the groups gnomAD compares: Admixed American, 0.0033%; no homozygotes.

Submissions (3):

GeneDx
Classification: Uncertain significance. Last evaluated: 2026-09-11. Review status: criteria provided, single submitter. Criteria: GeneDx Variant Classification Process June 2021. Collection method: clinical testing. Allele origin: germline.
Comment: Not observed at significant frequency in large population cohorts (gnomAD); In silico analysis supports that this missense variant has a deleterious effect on protein structure/function; Has not been previously published as pathogenic or benign to our knowledge

Ambry Genetics
Classification: Uncertain significance for Inborn genetic diseases. Last evaluated: 2025-07-02. Review status: criteria provided, single submitter. Criteria: Ambry Variant Classification Scheme 2023. Collection method: clinical testing. Allele origin: germline.

Labcorp Genetics (formerly Invitae), Labcorp
Classification: Likely benign. Last evaluated: 2024-01-09. Review status: criteria provided, single submitter. Criteria: Invitae Variant Classification Sherloc (09022015). Collection method: clinical testing. Allele origin: germline.